The following is an entry in ClinVar:

ClinVar aggregate classification (germline): Likely benign. Review status: criteria provided, multiple submitters, no conflicts (2 of 4 stars). 3 submissions from 3 submitters: Likely benign (3). Last evaluated 2025-11-13.

Conditions:
Prolidase deficiency. Identifiers: Orphanet 742, MedGen C0268532, MONDO:0008221, OMIM 170100.

Allele frequency attached by ClinVar (database versions not stated): ExAC 0.00005; gnomAD exomes 0.00005 and 0.00012; TOPMed 0.00008; gnomAD 0.00009 and 0.00013; 1000 Genomes Project 30x 0.00078; 1000 Genomes Project 0.00080.
gnomAD v4.1: 91 of 1,556,344 alleles (0.0058%); highest among the groups gnomAD compares: East Asian, 0.077%; no homozygotes.

Submissions (3):

Labcorp Genetics (formerly Invitae), Labcorp
Classification: Likely benign. Last evaluated: 2025-11-13. Review status: criteria provided, single submitter. Criteria: Invitae Variant Classification Sherloc (09022015). Collection method: clinical testing. Allele origin: germline.

Blueprint Genetics
Classification: Likely benign. Last evaluated: 2024-10-07. Review status: criteria provided, single submitter. Criteria: ACMG Guidelines, 2015. Collection method: clinical testing. Allele origin: germline.

Illumina Laboratory Services, Illumina
Classification: Likely benign for Prolidase deficiency. Last evaluated: 2018-01-13. Review status: criteria provided, single submitter. Criteria: ICSL Variant Classification Criteria 13 December 2019. Collection method: clinical testing. Allele origin: germline.
Comment: This variant was observed in the ICSL laboratory as part of a predisposition screen in an ostensibly healthy population. It had not been previously curated by ICSL or reported in the Human Gene Mutation Database (HGMD: prior to June 1st, 2018), and was therefore a candidate for classification through an automated scoring system. Utilizing variant allele frequency, disease prevalence and penetrance estimates, and inheritance mode, an automated score was calculated to assess if this variant is too frequent to cause the disease. Based on the score and internal cut-off values, a variant classified as likely benign is not then subjected to further curation. The score for this variant resulted in a classification of likely benign for this disease.

NM_000285.4(PEPD):c.1184G>A (p.Arg395Gln)

Gene: PEPD (peptidase D; minus strand). Cytogenetic location: 19q13.11.
Variant type: single nucleotide variant.
Coding change: c.1184G>A on transcript NM_000285.4 (MANE Select); coding-DNA position 1184, G replaced by A.
Protein change: p.Arg395Gln; replaces arginine 395 with glutamine.
Molecular consequence: missense variant.
Genome position (GRCh38, 1-based): chr19:33,388,050, C>T on the plus strand (G>A on the coding strand, the complement: PEPD is on the minus strand). VCF-style: chr19-33388050-C-T. GRCh37 (hg19) VCF-style: chr19-33878956-C-T.
Other names: c.1061G>A, p.Arg354Gln (NM_001166056.2); c.992G>A, p.Arg331Gln (NM_001166057.2); short protein forms R331Q, R354Q, R395Q.
Identifiers: ClinVar variation 891362 (VCV000891362.12), dbSNP rs561611888, ClinGen allele CA9363963.
Genomic context (GRCh38, chr19:33,388,050, plus strand): 5'-ATGCCCGGCTCCACGGTGAGCACCATGCCTGGCTGCAGGTGCCGTGCAGTGCGCAGGCTC[C>T]GCAGGCCGGGCTCGTCGATGCGCTCCACGCCCTGTGGGGAACAGAGGTGAGGGGCCTGAT-3'
Protein context (NP_000276.2, residues 385-405): GVERIDEPGL[Arg395Gln]SLRTARHLQP